The following is an entry in ClinVar:

NM_000553.6(WRN):c.2264T>C (p.Val755Ala)

Gene: WRN (WRN RecQ like helicase; plus strand). Cytogenetic location: 8p12.
Variant type: single nucleotide variant.
Coding change: c.2264T>C on transcript NM_000553.6 (MANE Select); coding-DNA position 2264, T replaced by C.
Protein change: p.Val755Ala; replaces valine 755 with alanine.
Molecular consequence: missense variant.
Genome position (GRCh38, 1-based): chr8:31,111,790, T>C. VCF-style: chr8-31111790-T-C. GRCh37 (hg19) VCF-style: chr8-30969306-T-C.
Other names: short protein forms V755A.
Identifiers: ClinVar variation 1435582 (VCV001435582.8), dbSNP rs1453298113, ClinGen allele CA370912922.

ClinVar aggregate classification (germline): Uncertain significance (1 of 4 stars; one submission).

Conditions:
Werner syndrome (WRN). Identifiers: Orphanet 902, MedGen C0043119, MONDO:0010196, OMIM 277700.

Submission:

Labcorp Genetics (formerly Invitae), Labcorp
Classification: Uncertain significance for Werner syndrome. Last evaluated: 2021-06-28. Review status: criteria provided, single submitter. Criteria: Invitae Variant Classification Sherloc (09022015). Collection method: clinical testing. Allele origin: germline.
Comment: In summary, the available evidence is currently insufficient to determine the role of this variant in disease. Therefore, it has been classified as a Variant of Uncertain Significance. Algorithms developed to predict the effect of missense changes on protein structure and function are either unavailable or do not agree on the potential impact of this missense change (SIFT: "Not Available"; PolyPhen-2: "Benign"; Align-GVGD: "Not Available"). This variant has not been reported in the literature in individuals with WRN-related conditions. This variant is not present in population databases (ExAC no frequency). This sequence change replaces valine with alanine at codon 755 of the WRN protein (p.Val755Ala). The valine residue is moderately conserved and there is a small physicochemical difference between valine and alanine.